The following is an entry in ClinVar:

ClinVar aggregate classification (germline): Likely benign (1 of 4 stars; one submission).

Conditions:
Lynch syndrome 4 (LYNCH4). Also called: Colorectal cancer, hereditary nonpolyposis, type 4; Hereditary non-polyposis colorectal cancer, type 4. Identifiers: Orphanet 144, MedGen C1838333, MONDO:0013699, OMIM 614337. Disease mechanism: loss of function.

Submission:

Myriad Genetics, Inc.
Classification: Likely benign for Lynch syndrome 4. Last evaluated: 2025-01-27. Review status: criteria provided, single submitter. Criteria: Myriad Autosomal Dominant, Autosomal Recessive and X-Linked Classification Criteria (2023). Collection method: clinical testing. Allele origin: unknown.
Comment: This variant is considered likely benign. This variant is intronic and is not expected to impact mRNA splicing.

NM_000535.7(PMS2):c.538-5A>T

Gene: PMS2 (PMS1 homolog 2, mismatch repair system component; minus strand). Cytogenetic location: 7p22.1.
Variant type: single nucleotide variant.
Coding change: c.538-5A>T on transcript NM_000535.7 (MANE Select); 5 bases into the intron before coding-DNA position 538, A replaced by T.
Molecular consequence: intron variant.
Genome position (GRCh38, 1-based): chr7:5,999,280, T>A on the plus strand (A>T on the coding strand, the complement: PMS2 is on the minus strand). VCF-style: chr7-5999280-T-A. GRCh37 (hg19) VCF-style: chr7-6038911-T-A.
Other names: c.133-5A>T (NM_001406910.1, NM_001406908.1, NM_001322003.2 and 21 more transcripts); c.229-5A>T (NM_001322015.2, NM_001406900.1, NM_001406880.1 and 6 more transcripts); c.251-54A>T (NM_001406885.1); c.220-5A>T (NM_001406901.1, NM_001406903.1, NM_001322007.2 and 4 more transcripts); c.133-1857A>T (NM_001406909.1, NM_001322013.2); c.537+3173A>T (NM_001406886.1); c.538-1857A>T (NM_001406884.1, NM_001406874.1); c.-347-54A>T (NM_001322011.2, NM_001322012.2); and 4 more.
Identifiers: ClinVar variation 3903839 (VCV003903839.1).